The following is an entry in ClinVar:

NM_001182.5(ALDH7A1):c.553G>T (p.Val185Leu)

Gene: ALDH7A1 (aldehyde dehydrogenase 7 family member A1; minus strand). Cytogenetic location: 5q23.2.
Variant type: single nucleotide variant.
Coding change: c.553G>T on transcript NM_001182.5 (MANE Select); coding-DNA position 553, G replaced by T.
Protein change: p.Val185Leu; replaces valine 185 with leucine.
Molecular consequence: missense variant.
Genome position (GRCh38, 1-based): chr5:126,577,176, C>A on the plus strand (G>T on the coding strand, the complement: ALDH7A1 is on the minus strand). VCF-style: chr5-126577176-C-A. GRCh37 (hg19) VCF-style: chr5-125912868-C-A.
Other names: c.469G>T, p.Val157Leu (NM_001201377.2); c.553G>T, p.Val185Leu (NM_001202404.2); short protein forms V185L, V157L.
Identifiers: ClinVar variation 533867 (VCV000533867.6), dbSNP rs61757685, ClinGen allele CA126909747.

ClinVar aggregate classification (germline): Uncertain significance (1 of 4 stars; one submission).

Conditions:
Pyridoxine-dependent epilepsy (EPEO4). Also called: Pyridoxine-Dependent Epilepsy - ALDH7A1; EPILEPSY, EARLY-ONSET, 4, VITAMIN B6-DEPENDENT; PYRIDOXINE DEPENDENCY WITH SEIZURES; Pyridoxine-Dependent Seizures. Identifiers: Orphanet 3006, MedGen C1849508, MONDO:0009945, OMIM 266100. Disease mechanism: loss of function.

Allele frequency attached by ClinVar (database versions not stated): TOPMed 0.00001.
gnomAD v4.1: 2 of 1,614,110 alleles (0.00012%); highest among the groups gnomAD compares: Non-Finnish European, 0.00017%; no homozygotes.

Submission:

Labcorp Genetics (formerly Invitae), Labcorp
Classification: Uncertain significance for Pyridoxine-dependent epilepsy. Last evaluated: 2022-11-01. Review status: criteria provided, single submitter. Criteria: Invitae Variant Classification Sherloc (09022015). Collection method: clinical testing. Allele origin: germline.
Comment: This sequence change replaces valine, which is neutral and non-polar, with leucine, which is neutral and non-polar, at codon 185 of the ALDH7A1 protein (p.Val185Leu). This variant is not present in population databases (gnomAD no frequency). This variant has not been reported in the literature in individuals affected with ALDH7A1-related conditions. ClinVar contains an entry for this variant (Variation ID: 533867). Algorithms developed to predict the effect of missense changes on protein structure and function output the following: SIFT: "Tolerated"; PolyPhen-2: "Benign"; Align-GVGD: "Class C0". The leucine amino acid residue is found in multiple mammalian species, which suggests that this missense change does not adversely affect protein function. In summary, the available evidence is currently insufficient to determine the role of this variant in disease. Therefore, it has been classified as a Variant of Uncertain Significance.